The following is an entry in ClinVar:

NM_005633.4(SOS1):c.1727G>T (p.Arg576Ile)

Gene: SOS1 (SOS Ras/Rac guanine nucleotide exchange factor 1; minus strand). Cytogenetic location: 2p22.1.
Variant type: single nucleotide variant.
Coding change: c.1727G>T on transcript NM_005633.4 (MANE Select); coding-DNA position 1727, G replaced by T.
Protein change: p.Arg576Ile; replaces arginine 576 with isoleucine.
Molecular consequence: missense variant.
Genome position (GRCh38, 1-based): chr2:39,022,701, C>A on the plus strand (G>T on the coding strand, the complement: SOS1 is on the minus strand). VCF-style: chr2-39022701-C-A. GRCh37 (hg19) VCF-style: chr2-39249842-C-A.
Other names: c.1706G>T, p.Arg569Ile (NM_001382394.1); c.1727G>T, p.Arg576Ile (NM_001382395.1); short protein forms R576I, R569I.
Identifiers: ClinVar variation 503551 (VCV000503551.17), dbSNP rs1553356023, ClinGen allele CA346365522.
Genomic context (GRCh38, chr2:39,022,701, plus strand): 5'-GCCTTGGGCTGCATGTTCTCTTCAAATATAATATTCTCTTCAGAGTCAGGCTCTGCAAAT[C>A]TATAAACATCAGCACTAGGCAGCCTCATCTGCTCCTCTTTCTCTTCCTGTAGCATTGTTA-3'
Protein context (NP_005624.2, residues 566-586): QMRLPSADVY[Arg576Ile]FAEPDSEENI

ClinVar aggregate classification (germline): Uncertain significance. Review status: criteria provided, multiple submitters, no conflicts (2 of 4 stars). 6 submissions from 5 submitters: Uncertain significance (6). Last evaluated 2025-04-02.

Conditions:
RASopathy. Also called: rasopathies; Noonan spectrum disorder. Identifiers: Orphanet 536391, MedGen C5555857, MONDO:0021060.
Fibromatosis, gingival, 1 (GINGF1). Identifiers: Orphanet 2024, MedGen C4551558, MONDO:0007609, OMIM 135300.
Noonan syndrome 4 (NS4). Also called: SOS1-Related Noonan Syndrome; NOONAN SYNDROME WITH PIGMENTED VILLONODULAR SYNOVITIS. Identifiers: Orphanet 648, MedGen C1853120, MONDO:0012547, OMIM 610733.
Noonan syndrome 1 (NS1). Also called: PTPN11-Related Noonan Syndrome; TURNER PHENOTYPE WITH NORMAL KARYOTYPE; FEMALE PSEUDO-TURNER SYNDROME. Identifiers: Orphanet 648, MedGen C4551602, MONDO:0008104, OMIM 163950. Disease mechanism: gain of function.

Allele frequency attached by ClinVar (database versions not stated): gnomAD exomes 0.00001.
gnomAD v4.1: 4 of 1,613,590 alleles (0.00025%); highest among the groups gnomAD compares: Non-Finnish European, 0.00034%; no homozygotes.

Submissions (6):

Labcorp Genetics (formerly Invitae), Labcorp
Classification: Uncertain significance for RASopathy. Last evaluated: 2025-04-02. Review status: criteria provided, single submitter. Criteria: Invitae Variant Classification Sherloc (09022015). Collection method: clinical testing. Allele origin: germline.
Comment: This sequence change replaces arginine, which is basic and polar, with isoleucine, which is neutral and non-polar, at codon 576 of the SOS1 protein (p.Arg576Ile). This variant is not present in population databases (gnomAD no frequency). This variant has not been reported in the literature in individuals affected with SOS1-related conditions. ClinVar contains an entry for this variant (Variation ID: 503551). Invitae Evidence Modeling of protein sequence and biophysical properties (such as structural, functional, and spatial information, amino acid conservation, physicochemical variation, residue mobility, and thermodynamic stability) indicates that this missense variant is expected to disrupt SOS1 protein function with a positive predictive value of 95%. Algorithms developed to predict the effect of sequence changes on RNA splicing suggest that this variant may create or strengthen a splice site. In summary, the available evidence is currently insufficient to determine the role of this variant in disease. Therefore, it has been classified as a Variant of Uncertain Significance.

Mendelics
Classification: Uncertain significance for Noonan syndrome 1. Last evaluated: 2019-05-28. Review status: criteria provided, single submitter. Criteria: Mendelics Assertion Criteria 2017. Collection method: clinical testing. Allele origin: unknown.

Centre for Mendelian Genomics, University Medical Centre Ljubljana
Classification: Uncertain significance for Fibromatosis, gingival, 1. Last evaluated: 2019-05-20. Review status: criteria provided, single submitter. Criteria: ACMG Guidelines, 2015. Collection method: clinical testing. Allele origin: unknown. Affected: yes.
Comment: This variant was classified as: Uncertain significance. The available evidence on this variant's pathogenicity is insufficient or conflicting. The following ACMG criteria were applied in classifying this variant: PP3,PM2.

Laboratory for Molecular Medicine, Mass General Brigham Personalized Medicine
Classification: Uncertain significance. Last evaluated: 2018-03-01. Review status: criteria provided, single submitter. Criteria: LMM Criteria. Collection method: clinical testing. Allele origin: germline.
Comment: Disclaimer: This variant has not undergone full assessment. The following are preliminary notes: not present in GnomAD-2:39249842 C / A-good coverage; Not in ClinVar, Google search or HGMD; predicted benign by polyphen

Genome-Nilou Lab
Classification: Uncertain significance for Noonan syndrome 4. Review status: criteria provided, single submitter. Criteria: ACMG Guidelines, 2015. Collection method: clinical testing. Allele origin: germline.

Genome-Nilou Lab
Classification: Uncertain significance for Fibromatosis, gingival, 1. Review status: criteria provided, single submitter. Criteria: ACMG Guidelines, 2015. Collection method: clinical testing. Allele origin: germline.